The following is an entry in ClinVar:

ClinVar aggregate classification (germline): Uncertain significance (1 of 4 stars; one submission).

Submission:

GeneDx
Classification: Uncertain significance. Last evaluated: 2026-04-20. Review status: criteria provided, single submitter. Criteria: GeneDx Variant Classification Process June 2021. Collection method: clinical testing. Allele origin: germline.
Comment: Not observed at significant frequency in large population cohorts (gnomAD); In silico analysis suggests that this missense variant does not alter protein structure/function; Has not been previously published as pathogenic or benign to our knowledge

NM_006922.4(SCN3A):c.1623G>T (p.Met541Ile)

Gene: SCN3A (sodium voltage-gated channel alpha subunit 3; minus strand). Cytogenetic location: 2q24.3.
Variant type: single nucleotide variant.
Coding change: c.1623G>T on transcript NM_006922.4 (MANE Select); coding-DNA position 1623, G replaced by T.
Protein change: p.Met541Ile; replaces methionine 541 with isoleucine.
Molecular consequence: missense variant.
Genome position (GRCh38, 1-based): chr2:165,146,787, C>A on the plus strand (G>T on the coding strand, the complement: SCN3A is on the minus strand). VCF-style: chr2-165146787-C-A. GRCh37 (hg19) VCF-style: chr2-166003297-C-A.
Other names: c.1623G>T, p.Met541Ile (NM_001081676.2, NM_001081677.2); short protein forms M541I.
Identifiers: ClinVar variation 5037431 (VCV005037431.1).